The following is an entry in ClinVar:

ClinVar aggregate classification (germline): Pathogenic (1 of 4 stars; one submission).

Conditions:
Glycogen storage disease type III (GSD3). Also called: FORBES DISEASE; Cori disease. Identifiers: Orphanet 366, MedGen C0017922, MONDO:0009291, OMIM 232400.

Submission:

Labcorp Genetics (formerly Invitae), Labcorp
Classification: Pathogenic for Glycogen storage disease type III. Last evaluated: 2022-02-27. Review status: criteria provided, single submitter. Criteria: Invitae Variant Classification Sherloc (09022015). Collection method: clinical testing. Allele origin: germline.
Comment: For these reasons, this variant has been classified as Pathogenic. Algorithms developed to predict the effect of sequence changes on RNA splicing suggest that this variant may disrupt the consensus splice site. This variant has not been reported in the literature in individuals affected with AGL-related conditions. This variant is not present in population databases (gnomAD no frequency). This sequence change creates a premature translational stop signal (p.Tyr218*) in the AGL gene. It is expected to result in an absent or disrupted protein product. Loss-of-function variants in AGL are known to be pathogenic (PMID: 19299494).

Literature cited by the submitters: PubMed 19299494.

NM_000642.3(AGL):c.654C>A (p.Tyr218Ter)

Gene: AGL (amylo-alpha-1,6-glucosidase and 4-alpha-glucanotransferase; plus strand). Cytogenetic location: 1p21.2.
Variant type: single nucleotide variant.
Coding change: c.654C>A on transcript NM_000642.3 (MANE Select); coding-DNA position 654, C replaced by A.
Protein change: p.Tyr218Ter; replaces tyrosine 218 with a stop codon.
Molecular consequence: nonsense.
Genome position (GRCh38, 1-based): chr1:99,864,579, C>A. VCF-style: chr1-99864579-C-A. GRCh37 (hg19) VCF-style: chr1-100330135-C-A.
Other names: c.654C>A, p.Tyr218Ter (NM_001425326.1, NM_001425327.1, NM_000028.3 and 3 more transcripts); c.276C>A, p.Tyr92Ter (NM_001425332.1); c.606C>A, p.Tyr202Ter (NM_000646.3); short protein forms Y202*, Y218*, Y92*.
Identifiers: ClinVar variation 2103981 (VCV002103981.4), dbSNP rs2524518453, ClinGen allele CA341337112.